The following continues an entry in ClinVar:

NM_000552.5(VWF):c.4121G>A (p.Arg1374His)

Gene: VWF. ClinVar aggregate classification (germline): Pathogenic. Pathogenic (1).

Submissions 7 to 17 of 17:

Genetics and Molecular Pathology, SA Pathology
Classification: Pathogenic for von Willebrand disease type 2. Last evaluated: 2022-01-19. Review status: criteria provided, single submitter. Criteria: ACMG Guidelines, 2015. Collection method: clinical testing. Allele origin: germline. Affected: yes. Not counted in ClinVar's aggregate classification.

Laboratory of Hematology, Radboud University Medical Center
Classification: Pathogenic for von Willebrand disease type 1. Last evaluated: 2021-12-28. Review status: criteria provided, single submitter. Criteria: ACMG Guidelines, 2015. Collection method: research. Allele origin: germline. Affected: yes. Observed: 1 variant allele. Study: WIN study. Not counted in ClinVar's aggregate classification.

Laboratory of Hematology, Radboud University Medical Center
Classification: Pathogenic for von Willebrand disease type 2. Last evaluated: 2021-12-28. Review status: criteria provided, single submitter. Criteria: ACMG Guidelines, 2015. Collection method: research. Allele origin: germline. Affected: yes. Observed: 12 variant alleles. Study: WIN study. Not counted in ClinVar's aggregate classification.

Quest Diagnostics Nichols Institute San Juan Capistrano
Classification: Pathogenic. Last evaluated: 2021-04-06. Review status: criteria provided, single submitter. Criteria: Quest Diagnostics criteria. Collection method: clinical testing. Allele origin: unknown. Not counted in ClinVar's aggregate classification.
Comment: In the published literature, this variant has been reported as a pathogenic variant associated with Types 1, 2A, and 2M von Willebrand Disease (PMID: 22329792 (2012), 25696906 (2014)). Functional studies identify R1374H as a deleterious change located in the A1 domain that has been observed in patients with a loss of high molecular weight multimers, increased mature VWF turnover, and loss of platelet binding (PMID: 7620154 (1995), 16985174 (2007), 23340442 (2013), 25185554 (2013)). Based on the available information, this variant is classified as pathogenic.

Versiti Diagnostic Laboratories, Versiti, Inc
Classification: Pathogenic for von Willebrand disease type 1; Von Willebrand disease type 2A; von Willebrand disease type 2M. Last evaluated: 2019-04-25. Review status: criteria provided, single submitter. Criteria: Versiti Assertion Criteria. Collection method: clinical testing. Allele origin: germline. Affected: yes. Observed: 18 variant alleles. Not counted in ClinVar's aggregate classification.
Comment: The missense variant VWF c.4121G>A, p.Arg1374His (p.R1374; legacy p.R611H) in exon 28 changes amino acid arginine at codon 1374 to histidine. The arginine at this residue is highly conserved among species. This amino acid change occurs in the A1 domain, a functional domain that binds platelets (GP1b) and collagen (Springer, 2014). Pathogenic variants in VWF are associated with autosomal dominant or autosomal recessive von Willebrand disease (VWD), characterized by quantitative or qualitative deficiencies in von Willebrand factor and resulting in prolonged bleeding. This variant has been previously reported in patients with type 2A (Goodeve, 2007; Corrales, 2009; Flood, 2013; Perez-Rodriguez, 2018), type 2M or type 1 VWD (Ajzenberg, 2000; Rayes, 2007; Flood, 2013). This variant has been observed in multiple patients with type 2 VWD in our laboratory cohort. Functional studies of the variant in mammalian cells demonstrated decreased expression and a decrease in the high molecular weight multimers (Hilbert, 1995; Ajenberg, 2000). To date, this variant has not been reported in the general population (GnomAD). In summary, the collective evidence supports VWF c.4121G>A, p.Arg1374His as a pathogenic variant for type 2 VWD.

NIHR Bioresource Rare Diseases, University of Cambridge
Classification: Pathogenic for von Willebrand disorder. Last evaluated: 2019-02-01. Review status: criteria provided, single submitter. Criteria: ACMG Guidelines, 2015. Collection method: research. Allele origin: unknown. Affected: yes. Observed: 4 heterozygotes. Study: ThromboGenomics. Not counted in ClinVar's aggregate classification.

NIHR Bioresource Rare Diseases, University of Cambridge
Classification: Pathogenic for von Willebrand disease type 2. Last evaluated: 2019-02-01. Review status: criteria provided, single submitter. Criteria: ACMG Guidelines, 2015. Collection method: research. Allele origin: unknown. Affected: yes. Observed: 1 heterozygote. Study: ThromboGenomics. Not counted in ClinVar's aggregate classification.

Centre for Mendelian Genomics, University Medical Centre Ljubljana
Classification: Pathogenic for Abnormal bleeding; Prolonged bleeding time. Last evaluated: 2017-01-01. Review status: criteria provided, single submitter. Criteria: ACMG Guidelines, 2015. Collection method: clinical testing. Allele origin: unknown. Affected: yes. Not counted in ClinVar's aggregate classification.

ISTH-SSC Genomics in Thrombosis and Hemostasis, KU Leuven, Center for Molecular and Vascular Biology
Classification: Pathogenic for von Willebrand disease type 2. Review status: criteria provided, single submitter. Criteria: ACMG Guidelines, 2015. Collection method: clinical testing. Allele origin: germline. Affected: yes. Observed: 1 heterozygote. Not counted in ClinVar's aggregate classification.
Comment: Submitted to the GoldVariant database by Kathleen Freson, Center for Molecular and Vascular Biology

Angelo Bianchi Bonomi Hemophilia and Thrombosis Center, Fondazione IRCCS Ca Granda Ospedale Maggiore Policlinico
Classification: Pathogenic for von Willebrand disease type 2. Last evaluated: 2022-04-26. Review status: no assertion criteria provided. Collection method: clinical testing. Allele origin: germline. Affected: yes. Not counted in ClinVar's aggregate classification.

Academic Unit of Haematology, University of Sheffield
No classification provided. Review status: no classification provided. Collection method: not provided. Allele origin: not provided. Not counted in ClinVar's aggregate classification.

Literature cited by the submitters: PubMed 10845912 (cited by Mayo Clinic Laboratories, Mayo Clinic and Women's Health and Genetics/Laboratory Corporation of America, LabCorp); PubMed 16985174 (cited by 3 submitters); PubMed 17087728 (cited by Mayo Clinic Laboratories, Mayo Clinic); PubMed 19277422 (cited by Mayo Clinic Laboratories, Mayo Clinic and Quest Diagnostics Nichols Institute San Juan Capistrano); PubMed 22871923 (cited by Mayo Clinic Laboratories, Mayo Clinic); PubMed 25185554 (cited by Mayo Clinic Laboratories, Mayo Clinic and Quest Diagnostics Nichols Institute San Juan Capistrano); PubMed 29924855 (cited by Mayo Clinic Laboratories, Mayo Clinic); PubMed 7620154 (cited by 3 submitters); PubMed 7734373 (cited by Mayo Clinic Laboratories, Mayo Clinic and Quest Diagnostics Nichols Institute San Juan Capistrano); PubMed 26988807 (cited by Women's Health and Genetics/Laboratory Corporation of America, LabCorp); PubMed 27483487 (cited by Women's Health and Genetics/Laboratory Corporation of America, LabCorp); PubMed 30358069 (cited by Women's Health and Genetics/Laboratory Corporation of America, LabCorp); PubMed 11776047 (cited by Quest Diagnostics Nichols Institute San Juan Capistrano); PubMed 19951969 (cited by Quest Diagnostics Nichols Institute San Juan Capistrano); PubMed 23349392 (cited by Quest Diagnostics Nichols Institute San Juan Capistrano); PubMed 18805962 (cited by Quest Diagnostics Nichols Institute San Juan Capistrano); PubMed 23340442 (cited by Quest Diagnostics Nichols Institute San Juan Capistrano); PubMed 22329792 (cited by Quest Diagnostics Nichols Institute San Juan Capistrano); PubMed 22578129 (cited by Quest Diagnostics Nichols Institute San Juan Capistrano); PubMed 25696906 (cited by Quest Diagnostics Nichols Institute San Juan Capistrano); PubMed 26200876 (cited by Quest Diagnostics Nichols Institute San Juan Capistrano); PubMed 22315491 (cited by Quest Diagnostics Nichols Institute San Juan Capistrano); PubMed 18384353 (cited by Quest Diagnostics Nichols Institute San Juan Capistrano); PubMed 26879396 (cited by Quest Diagnostics Nichols Institute San Juan Capistrano); PubMed 19404524 (cited by Quest Diagnostics Nichols Institute San Juan Capistrano); PubMed 21429375 (cited by Quest Diagnostics Nichols Institute San Juan Capistrano); PubMed 31064749 (cited by NIHR Bioresource Rare Diseases, University of Cambridge).